The following is an entry in ClinVar:

ClinVar aggregate classification (germline): Pathogenic (1 of 4 stars; one submission).

Conditions:
Inborn genetic diseases. Identifiers: MedGen C0950123, MeSH D030342.

Submission:

Ambry Genetics
Classification: Pathogenic for Inborn genetic diseases. Last evaluated: 2024-02-15. Review status: criteria provided, single submitter. Criteria: Ambry Variant Classification Scheme 2023. Collection method: clinical testing. Allele origin: germline.
Comment: The c.2743delG (p.E915Kfs*30) alteration, located in exon 12 (coding exon 11) of the ACAN gene, consists of a deletion of one nucleotide at position 2743, causing a translational frameshift with a predicted alternate stop codon after 30 amino acids. This alteration is expected to result in loss of function by premature protein truncation or nonsense-mediated mRNA decay. This variant was not reported in population-based cohorts in the Genome Aggregation Database (gnomAD). Based on the available evidence, this alteration is classified as pathogenic.

NM_001369268.1(ACAN):c.2743del (p.Glu915fs)

Gene: ACAN (aggrecan; plus strand). Cytogenetic location: 15q26.1.
Variant type: Deletion.
Coding change: c.2743del on transcript NM_001369268.1 (MANE Select); coding-DNA position 2743, one base deleted (G; older notation c.2743delG).
Protein change: p.Glu915fs; shifts the reading frame from glutamic acid 915.
Molecular consequence: frameshift variant.
Genome position (GRCh38, 1-based): chr15:88,855,328, G deleted; the last of 2 consecutive G bases (chr15:88,855,327-88,855,328); deleting either gives the same sequence. VCF-style (leftmost placement, unchanged base first): chr15-88855326-TG-T. GRCh37 (hg19) VCF-style: chr15-89398557-TG-T.
Other names: c.2743del, p.Glu915fs (NM_001135.4, NM_001411096.1, NM_001411097.1 and 1 more transcripts); short protein forms E915fs.
Identifiers: ClinVar variation 3135111 (VCV003135111.1), dbSNP rs2505311393, ClinGen allele CA2825002310.